The following is an entry in ClinVar:

ClinVar aggregate classification (germline): Conflicting classifications of pathogenicity. Review status: criteria provided, conflicting classifications (1 of 4 stars). 2 submissions from 2 submitters: Uncertain significance (1); Likely benign (1). Last evaluated 2025-12-28.

Conditions:
Norman-Roberts syndrome (LIS2). Also called: Lissencephaly 2 (Norman-Roberts type). Identifiers: Orphanet 89844, MedGen C0796089, MONDO:0009760, OMIM 257320.
Familial temporal lobe epilepsy 7. Identifiers: Orphanet 101046, MedGen C4225327, MONDO:0014639, OMIM 616436.
RELN-related disorder. Also called: RELN-related condition.

Submissions (2):

Labcorp Genetics (formerly Invitae), Labcorp
Classification: Likely benign for Familial temporal lobe epilepsy 7; Norman-Roberts syndrome. Last evaluated: 2025-12-28. Review status: criteria provided, single submitter. Criteria: Invitae Variant Classification Sherloc (09022015). Collection method: clinical testing. Allele origin: germline.

PreventionGenetics, part of Exact Sciences
Classification: Uncertain significance for RELN-related condition. Last evaluated: 2022-12-15. Review status: criteria provided, single submitter. Criteria: ACMG Guidelines, 2015. Collection method: clinical testing. Allele origin: germline.
Comment: The RELN c.8120-8_8120-4del5 variant is predicted to result in an intronic deletion. To our knowledge, this variant has not been reported in the literature. This variant is reported in 0.0054% of alleles in individuals of East Asian descent in gnomAD. At this time, the clinical significance of this variant is uncertain due to the absence of conclusive functional and genetic evidence.

NM_005045.4(RELN):c.8120-8_8120-4del

Genes: SLC26A5-AS1 (SLC26A5 antisense RNA 1; plus strand), RELN (reelin; minus strand). Cytogenetic location: 7q22.1.
Variant type: Deletion.
Coding change: c.8120-8_8120-4del on transcript NM_005045.4 (MANE Select); 8 bases into the intron before coding-DNA position 8120 through 4 bases into the intron before coding-DNA position 8120, 5 bases deleted (GTTTT; older notation c.8120-8_8120-4delGTTTT).
Molecular consequence: intron variant.
Genome position (GRCh38, 1-based): chr7:103,511,009-103,511,013, AAAAC deleted on the plus strand (GTTTT on the coding strand, the reverse complement: RELN is on the minus strand); deleting any 5 consecutive bases within chr7:103,511,009-103,511,017 gives the same sequence; the c. name uses the placement nearest the transcript's 3' end. VCF-style (leftmost placement, unchanged base first): chr7-103511008-TAAAAC-T. GRCh37 (hg19) VCF-style: chr7-103151455-TAAAAC-T.
Other names: c.8120-8_8120-4del (NM_173054.3).
Identifiers: ClinVar variation 2629725 (VCV002629725.2), dbSNP rs1242801984, ClinGen allele CA576954226.
Genomic context (GRCh38, chr7:103,511,008, plus strand): 5'-GGGGAGTCACAGAATCTTTCTACTGTACAATCATCATGGAATAGCCAGTGCTCATTCACT[TAAAAC>T]AAAAAAACAAAATTTTATGACAAATTTGTGACAAAAATACTTGAAGCAAATTTTCACTTT-3'